The following is an entry in ClinVar:

ClinVar aggregate classification (germline): Benign/Likely benign. Review status: criteria provided, multiple submitters, no conflicts (2 of 4 stars). 4 submissions from 4 submitters: Benign (1); Likely benign (3). Last evaluated 2026-09-14.

Conditions:
Colorectal cancer, hereditary nonpolyposis, type 7. Identifiers: Orphanet 144, MedGen C1858380, MONDO:0013725, OMIM 614385.

Allele frequency attached by ClinVar (database versions not stated): gnomAD exomes 0.00001; TOPMed 0.00001; gnomAD 0.00001.

Submissions (4):

Myriad Genetics, Inc.
Classification: Benign for Colorectal cancer, hereditary nonpolyposis, type 7. Last evaluated: 2026-09-14. Review status: criteria provided, single submitter. Criteria: Myriad Autosomal Dominant, Autosomal Recessive and X-Linked Classification Criteria (2023). Collection method: clinical testing. Allele origin: unknown.
Comment: This variant is considered benign. This variant is a silent/synonymous amino acid change and it is not expected to impact splicing.

Blueprint Genetics
Classification: Likely benign. Last evaluated: 2024-05-16. Review status: criteria provided, single submitter. Criteria: ACMG Guidelines, 2015. Collection method: clinical testing. Allele origin: germline.

Labcorp Genetics (formerly Invitae), Labcorp
Classification: Likely benign for Colorectal cancer, hereditary nonpolyposis, type 7. Last evaluated: 2022-03-16. Review status: criteria provided, single submitter. Criteria: Invitae Variant Classification Sherloc (09022015). Collection method: clinical testing. Allele origin: germline.

Ambry Genetics
Classification: Likely benign. Last evaluated: 2022-02-23. Review status: criteria provided, single submitter. Criteria: Ambry Variant Classification Scheme 2023. Collection method: clinical testing. Allele origin: germline.

NM_001040108.2(MLH3):c.3399T>C (p.Val1133=)

Gene: MLH3 (mutL homolog 3; minus strand). Cytogenetic location: 14q24.3.
Variant type: single nucleotide variant.
Coding change: c.3399T>C on transcript NM_001040108.2 (MANE Select); coding-DNA position 3399, T replaced by C.
Protein change: p.Val1133=; no amino-acid change (valine 1133 retained).
Molecular consequence: synonymous variant.
Genome position (GRCh38, 1-based): chr14:75,041,681, A>G on the plus strand (T>C on the coding strand, the complement: MLH3 is on the minus strand). VCF-style: chr14-75041681-A-G. GRCh37 (hg19) VCF-style: chr14-75508384-A-G.
Other names: c.3399T>C, p.Val1133= (NM_014381.3).
Identifiers: ClinVar variation 1730965 (VCV001730965.9), dbSNP rs1291080899, ClinGen allele CA487176749.